The following is an entry in ClinVar:

ClinVar aggregate classification (germline): Pathogenic (1 of 4 stars; one submission).

Conditions:
Tuberous sclerosis 1 (TSC1). Identifiers: Orphanet 805, MedGen C1854465, MONDO:0008612, OMIM 191100.

Submission:

Labcorp Genetics (formerly Invitae), Labcorp
Classification: Pathogenic for Tuberous sclerosis 1. Last evaluated: 2023-01-26. Review status: criteria provided, single submitter. Criteria: Invitae Variant Classification Sherloc (09022015). Collection method: clinical testing. Allele origin: germline.
Comment: This variant is not present in population databases (gnomAD no frequency). For these reasons, this variant has been classified as Pathogenic. This variant has not been reported in the literature in individuals affected with TSC1-related conditions. This sequence change creates a premature translational stop signal (p.Gly449Alafs*8) in the TSC1 gene. It is expected to result in an absent or disrupted protein product. Loss-of-function variants in TSC1 are known to be pathogenic (PMID: 10227394, 17304050).

Literature cited by the submitters: PubMed 10227394; PubMed 17304050.

NM_000368.5(TSC1):c.1344del (p.Gly449fs)

Gene: TSC1 (TSC complex subunit 1; minus strand). Cytogenetic location: 9q34.13.
Variant type: Deletion.
Coding change: c.1344del on transcript NM_000368.5 (MANE Select); coding-DNA position 1344, one base deleted (T; older notation c.1344delT).
Protein change: p.Gly449fs; shifts the reading frame from glycine 449.
Molecular consequence: frameshift variant. On other transcripts: non-coding transcript variant (5).
Genome position (GRCh38, 1-based): chr9:132,906,825, A deleted on the plus strand (T on the coding strand, the reverse complement: TSC1 is on the minus strand). VCF-style (leftmost placement, unchanged base first): chr9-132906824-CA-C. GRCh37 (hg19) VCF-style: chr9-135782211-CA-C.
Other names: c.981del, p.Gly328fs (NM_001362177.2, NM_001406614.1, NM_001406615.1 and 5 more transcripts); c.1344del, p.Gly449fs (NM_001406592.1, NM_001406593.1, NM_001406594.1 and 7 more transcripts); c.1341del, p.Gly448fs (NM_001162426.2, NM_001406597.1, NM_001406598.1 and 6 more transcripts); c.1191del, p.Gly398fs (NM_001162427.2, NM_001406610.1); c.1188del, p.Gly397fs (NM_001406611.1, NM_001406612.1, NM_001406613.1); c.978del, p.Gly327fs (NM_001406620.1, NM_001406621.1, NM_001406622.1 and 2 more transcripts); c.393del, p.Gly132fs (NM_001406626.1); c.390del, p.Gly131fs (NM_001406627.1, NM_001406628.1); and 1 more; short protein forms G449fs, G132fs, G328fs, G98fs, G327fs, G398fs, G131fs, G397fs.
Identifiers: ClinVar variation 2832245 (VCV002832245.3), dbSNP rs2538772333, ClinGen allele CA2739264845.